The following is an entry in ClinVar:

ClinVar aggregate classification (germline): Uncertain significance. Review status: criteria provided, multiple submitters, no conflicts (2 of 4 stars). 5 submissions from 5 submitters: Uncertain significance (5). Last evaluated 2025-11-13.

Conditions:
Timothy syndrome (TS). Also called: LONG QT SYNDROME WITH SYNDACTYLY. Identifiers: Orphanet 65283, MedGen C1832916, MeSH C536962, MONDO:0010979, OMIM 601005.
Long QT syndrome 8. Identifiers: MedGen CN260585, MONDO:0032756, OMIM 618447.
Brugada syndrome 3 (BRGDA3). Identifiers: Orphanet 130, MedGen C2678478, MONDO:0012742, OMIM 611875.
Cardiovascular phenotype. Identifiers: MedGen CN230736.
Long QT syndrome (LQTS). Identifiers: MedGen C0023976, MeSH D008133, MONDO:0002442. Disease mechanism: loss of function. Inheritance: Various modes of inheritance.

Allele frequency attached by ClinVar (database versions not stated): gnomAD 0.00001; gnomAD exomes 0.00001 and 0.00002; TOPMed 0.00002; ExAC 0.00003; 1000 Genomes Project 0.00040; 1000 Genomes Project 30x 0.00047.
gnomAD v4.1: 19 of 1,607,176 alleles (0.0012%); highest among the groups gnomAD compares: Admixed American, 0.0067%; no homozygotes.

Submissions (5):

Labcorp Genetics (formerly Invitae), Labcorp
Classification: Uncertain significance for Long QT syndrome. Last evaluated: 2025-11-13. Review status: criteria provided, single submitter. Criteria: Invitae Variant Classification Sherloc (09022015). Collection method: clinical testing. Allele origin: germline.
Comment: This sequence change replaces threonine, which is neutral and polar, with methionine, which is neutral and non-polar, at codon 171 of the CACNA1C protein (p.Thr171Met). The frequency data for this variant in the population databases is considered unreliable, as metrics indicate poor data quality at this position in the gnomAD database. This missense change has been observed in individual(s) with clinical features of CACNA1C-related conditions (PMID: 25500949). ClinVar contains an entry for this variant (Variation ID: 381482). Invitae Evidence Modeling of protein sequence and biophysical properties (such as structural, functional, and spatial information, amino acid conservation, physicochemical variation, residue mobility, and thermodynamic stability) indicates that this missense variant is expected to disrupt CACNA1C protein function with a positive predictive value of 80%. In summary, the available evidence is currently insufficient to determine the role of this variant in disease. Therefore, it has been classified as a Variant of Uncertain Significance.

Molecular Diagnostic Laboratory for Inherited Cardiovascular Disease, Montreal Heart Institute
Classification: Uncertain significance for Cardiovascular phenotype. Last evaluated: 2025-04-09. Review status: criteria provided, single submitter. Criteria: ACMG Guidelines, 2015. Collection method: clinical testing. Allele origin: germline. Affected: yes.
Comment: PM2;PP3

Ambry Genetics
Classification: Uncertain significance for Cardiovascular phenotype. Last evaluated: 2024-07-16. Review status: criteria provided, single submitter. Criteria: Ambry Variant Classification Scheme 2023. Collection method: clinical testing. Allele origin: germline.
Comment: The p.T171M variant (also known as c.512C>T), located in coding exon 4 of the CACNA1C gene, results from a C to T substitution at nucleotide position 512. The threonine at codon 171 is replaced by methionine, an amino acid with similar properties. This variant has been detected in an individual with sudden death who also had a variant in another cardiac-related gene (Narula N et al. Pediatr Cardiol, 2015 Apr;36:768-78). Based on data from gnomAD, the frequency for this variant is above the maximum credible frequency for a disease-causing variant in this gene based on internally established thresholds (Karczewski et al. Nature. 2020 May;581(7809):434-443; Whiffin et al. Genet Med. 2017 10;19:1151-1158). This amino acid position is highly conserved in available vertebrate species. In addition, this alteration is predicted to be deleterious by in silico analysis. Since supporting evidence is limited at this time, the clinical significance of this alteration remains unclear.

Fulgent Genetics
Classification: Uncertain significance for Timothy syndrome; Brugada syndrome 3; Long QT syndrome 8. Last evaluated: 2021-09-30. Review status: criteria provided, single submitter. Criteria: ACMG Guidelines, 2015. Collection method: clinical testing. Allele origin: unknown.

GeneDx
Classification: Uncertain significance. Last evaluated: 2016-12-19. Review status: criteria provided, single submitter. Criteria: GeneDx Variant Classification (06012015). Collection method: clinical testing. Allele origin: germline. Affected: yes.
Comment: The T171M variant of uncertain significance in the CACNA1C gene has been reported in one individual with sudden unexplained death who also harbored a variant in the MYH7 gene (Narula et al., 2015). This variant was not observed with any significant frequency in the Exome Aggregation Consortium or in approximately 5,900 individuals of European and African American ancestry in the NHLBI Exome Sequencing Project, indicating it is not a common benign variant in these populations. The T171M variant is a non-conservative amino acid substitution, which is likely to impact secondary protein structure as these residues differ in polarity, charge, size and/or other properties. This substitution occurs at a position that is conserved across species. In silico analysis predicts this variant is probably damaging to the protein structure/function. Nevertheless, no missense variants in nearby residues have been reported in the Human Gene Mutation Database in association with disease (Stenson et al., 2014).Therefore, based on the currently available information, it is unclear whether this variant is pathogenic or rare benign. This result cannot be interpreted for diagnosis or used for family member screening at this time.

Literature cited by the submitters: PubMed 25500949 (cited by Labcorp Genetics (formerly Invitae), Labcorp and Ambry Genetics); PubMed 27925203 (cited by Ambry Genetics); PubMed 30345660 (cited by Ambry Genetics).

NM_000719.7(CACNA1C):c.512C>T (p.Thr171Met)

Gene: CACNA1C (calcium voltage-gated channel subunit alpha1 C; plus strand). Cytogenetic location: 12p13.33.
Variant type: single nucleotide variant.
Coding change: c.512C>T on transcript NM_000719.7 (MANE Select); coding-DNA position 512, C replaced by T.
Protein change: p.Thr171Met; replaces threonine 171 with methionine.
Molecular consequence: missense variant.
Genome position (GRCh38, 1-based): chr12:2,449,010, C>T. VCF-style: chr12-2449010-C-T. GRCh37 (hg19) VCF-style: chr12-2558176-C-T.
Other names: c.512C>T, p.Thr171Met (NM_001129827.2, NM_001129829.2, NM_001129830.3 and 19 more transcripts); c.512C>T (NM_199460.3); short protein forms T171M.
Identifiers: ClinVar variation 381482 (VCV000381482.12), dbSNP rs199586997, ClinGen allele CA6388470.